The following is an entry in ClinVar:

NM_181503.3(EXOSC8):c.802G>A (p.Glu268Lys)

Gene: EXOSC8 (exosome component 8; plus strand). Cytogenetic location: 13q13.3.
Variant type: single nucleotide variant.
Coding change: c.802G>A on transcript NM_181503.3 (MANE Select); coding-DNA position 802, G replaced by A.
Protein change: p.Glu268Lys; replaces glutamic acid 268 with lysine.
Molecular consequence: missense variant.
Genome position (GRCh38, 1-based): chr13:37,009,270, G>A. VCF-style: chr13-37009270-G-A. GRCh37 (hg19) VCF-style: chr13-37583407-G-A.
Other names: short protein forms E268K.
Identifiers: ClinVar variation 1925204 (VCV001925204.5), dbSNP rs375388081, ClinGen allele CA6951365.

ClinVar aggregate classification (germline): Uncertain significance (1 of 4 stars; one submission).

Allele frequency attached by ClinVar (database versions not stated): gnomAD exomes 0.00002; gnomAD 0.00003; ExAC 0.00005; ESP Exome Variant Server 0.00008; TOPMed 0.00009.

Submission:

Labcorp Genetics (formerly Invitae), Labcorp
Classification: Uncertain significance. Last evaluated: 2022-09-27. Review status: criteria provided, single submitter. Criteria: Invitae Variant Classification Sherloc (09022015). Collection method: clinical testing. Allele origin: germline.
Comment: Advanced modeling of protein sequence and biophysical properties (such as structural, functional, and spatial information, amino acid conservation, physicochemical variation, residue mobility, and thermodynamic stability) performed at Invitae indicates that this missense variant is not expected to disrupt EXOSC8 protein function. Algorithms developed to predict the effect of sequence changes on RNA splicing suggest that this variant may disrupt the consensus splice site. In summary, the available evidence is currently insufficient to determine the role of this variant in disease. Therefore, it has been classified as a Variant of Uncertain Significance. This sequence change replaces glutamic acid, which is acidic and polar, with lysine, which is basic and polar, at codon 268 of the EXOSC8 protein (p.Glu268Lys). This variant is present in population databases (rs375388081, gnomAD 0.02%). This variant has not been reported in the literature in individuals affected with EXOSC8-related conditions.